The following is an entry in ClinVar:

NM_052867.4(NALCN):c.3495G>A (p.Thr1165=)

Gene: NALCN (sodium leak channel, non-selective; minus strand). Cytogenetic location: 13q32.3.
Variant type: single nucleotide variant.
Coding change: c.3495G>A on transcript NM_052867.4 (MANE Select); coding-DNA position 3495, G replaced by A.
Protein change: p.Thr1165=; no amino-acid change (threonine 1165 retained).
Molecular consequence: synonymous variant.
Genome position (GRCh38, 1-based): chr13:101,083,799, C>T on the plus strand (G>A on the coding strand, the complement: NALCN is on the minus strand). VCF-style: chr13-101083799-C-T. GRCh37 (hg19) VCF-style: chr13-101736150-C-T.
Other names: c.3582G>A, p.Thr1194= (NM_001350748.2); c.3495G>A, p.Thr1165= (NM_001350749.2); c.3408G>A, p.Thr1136= (NM_001350750.2, NM_001350751.2).
Identifiers: ClinVar variation 743432 (VCV000743432.9), dbSNP rs757748955, ClinGen allele CA7035376.

ClinVar aggregate classification (germline): Likely benign. Review status: criteria provided, single submitter (1 of 4 stars). 2 submissions from 2 submitters: Likely benign (1). 1 of the submissions does not count toward it. Last evaluated 2025-10-21.

Conditions:
NALCN-related disorder. Also called: NALCN-related condition; NALCN-related disorders.

Allele frequency attached by ClinVar (database versions not stated): ExAC 0.00008; gnomAD 0.00001; gnomAD exomes 0.00002 and 0.00006; TOPMed 0.00002.
gnomAD v4.1: 26 of 1,613,494 alleles (0.0016%); highest among the groups gnomAD compares: Admixed American, 0.012%; no homozygotes.

Submissions (2):

Labcorp Genetics (formerly Invitae), Labcorp
Classification: Likely benign. Last evaluated: 2025-10-21. Review status: criteria provided, single submitter. Criteria: Invitae Variant Classification Sherloc (09022015). Collection method: clinical testing. Allele origin: germline.

PreventionGenetics, part of Exact Sciences
Classification: Likely benign for NALCN-related condition. Last evaluated: 2022-08-22. Review status: no assertion criteria provided. Collection method: clinical testing. Allele origin: germline. Not counted in ClinVar's aggregate classification.
Comment: This variant is classified as likely benign based on ACMG/AMP sequence variant interpretation guidelines (Richards et al. 2015 PMID: 25741868, with internal and published modifications).